The following is an entry in ClinVar:

NM_000214.3(JAG1):c.*619C>T

Gene: JAG1 (jagged canonical Notch ligand 1; minus strand). Cytogenetic location: 20p12.2.
Variant type: single nucleotide variant.
Coding change: c.*619C>T on transcript NM_000214.3 (MANE Select); 619 bases downstream of the stop codon, C replaced by T.
Molecular consequence: 3 prime UTR variant.
Genome position (GRCh38, 1-based): chr20:10,638,879, G>A on the plus strand (C>T on the coding strand, the complement: JAG1 is on the minus strand). VCF-style: chr20-10638879-G-A. GRCh37 (hg19) VCF-style: chr20-10619527-G-A.
Other names: c.*619C>T (LRG_1191t1).
Identifiers: ClinVar variation 337733 (VCV000337733.5), dbSNP rs146144464, ClinGen allele CA10649361.
Genomic context (GRCh38, chr20:10,638,879, plus strand): 5'-ATAAAAAGGAATGATGTTTTAAGGCTCTTGATTATTAAGTTAATAAATCAAATATACACA[G>A]TGATTAATAAAAAAGAATTATTTACATAACTATACAAAGTTCTACTTTTGACATTTTTTT-3'

ClinVar aggregate classification (germline): Benign (1 of 4 stars; one submission).

Conditions:
Isolated Nonsyndromic Congenital Heart Disease.

Allele frequency attached by ClinVar (database versions not stated): 1000 Genomes Project 0.00160; 1000 Genomes Project 30x 0.00203; TOPMed 0.00386; gnomAD 0.00469 and 0.00491; gnomAD exomes 0.00983.
gnomAD v4.1: 721 of 153,800 alleles (0.47%); highest among the groups gnomAD compares: Non-Finnish European, 0.77%; 1 homozygote.

Submission:

Illumina Laboratory Services, Illumina
Classification: Benign for Isolated Nonsyndromic Congenital Heart Disease. Last evaluated: 2018-01-12. Review status: criteria provided, single submitter. Criteria: ICSL Variant Classification Criteria 13 December 2019. Collection method: clinical testing. Allele origin: germline.
Comment: This variant was observed in the ICSL laboratory as part of a predisposition screen in an ostensibly healthy population. It had not been previously curated by ICSL or reported in the Human Gene Mutation Database (HGMD: prior to June 1st, 2018), and was therefore a candidate for classification through an automated scoring system. Utilizing variant allele frequency, disease prevalence and penetrance estimates, and inheritance mode, an automated score was calculated to assess if this variant is too frequent to cause the disease. Based on the score and internal cut-off values, a variant classified as benign is not then subjected to further curation. The score for this variant resulted in a classification of benign for this disease.